The following is an entry in ClinVar:

ClinVar aggregate classification (germline): Pathogenic (1 of 4 stars; one submission).

Conditions:
Arrhythmogenic right ventricular dysplasia 8 (ARVD8). Also called: Arrhythmogenic Right Ventricular Dysplasia/Cardiomyopathy 8; ARRHYTHMOGENIC RIGHT VENTRICULAR DYSPLASIA, FAMILIAL, 8; ARRHYTHMOGENIC RIGHT VENTRICULAR CARDIOMYOPATHY 8. Identifiers: MedGen C1843896, MONDO:0011831, OMIM 607450.
Arrhythmogenic cardiomyopathy with wooly hair and keratoderma. Also called: Arrhythmogenic cardiomyopathy with woolly hair and keratoderma; PALMOPLANTAR KERATODERMA WITH LEFT VENTRICULAR CARDIOMYOPATHY AND WOOLLY HAIR; Carvajal syndrome; Dilated cardiomyopathy with woolly hair and keratoderma. Identifiers: Orphanet 65282, MedGen C1854063, MONDO:0011581, OMIM 605676.

Submission:

Labcorp Genetics (formerly Invitae), Labcorp
Classification: Pathogenic for Arrhythmogenic cardiomyopathy with wooly hair and keratoderma; Arrhythmogenic right ventricular dysplasia 8. Last evaluated: 2021-01-25. Review status: criteria provided, single submitter. Criteria: Invitae Variant Classification Sherloc (09022015). Collection method: clinical testing. Allele origin: germline.
Comment: For these reasons, this variant has been classified as Pathogenic. This variant has not been reported in the literature in individuals with DSP-related conditions. This variant is not present in population databases (ExAC no frequency). This sequence change creates a premature translational stop signal (p.Asp648Argfs*5) in the DSP gene. It is expected to result in an absent or disrupted protein product. Loss-of-function variants in DSP are known to be pathogenic (PMID: 20716751, 24503780, 25227139).

Literature cited by the submitters: PubMed 20716751; PubMed 24503780; PubMed 25227139.

NM_004415.4(DSP):c.1941dup (p.Asp648fs)

Gene: DSP (desmoplakin; plus strand). Cytogenetic location: 6p24.3.
Variant type: Duplication.
Coding change: c.1941dup on transcript NM_004415.4 (MANE Select); coding-DNA position 1941, one base duplicated (A; older notation c.1941dupA).
Protein change: p.Asp648fs; shifts the reading frame from aspartic acid 648.
Molecular consequence: frameshift variant.
Genome position (GRCh38, 1-based): chr6:7,571,879, A duplicated; the last of 2 consecutive A bases (chr6:7,571,878-7,571,879); duplicating either gives the same sequence. VCF-style (leftmost placement, unchanged base first): chr6-7571877-C-CA. GRCh37 (hg19) VCF-style: chr6-7572110-C-CA.
Other names: c.1941dup, p.Asp648fs (NM_001008844.3, NM_001319034.2); short protein forms D648fs.
Identifiers: ClinVar variation 1458306 (VCV001458306.6), dbSNP rs2113679761, ClinGen allele CA2573140857.